The following is an entry in ClinVar:

ClinVar aggregate classification (germline): Uncertain significance (1 of 4 stars; one submission).

Conditions:
Short-rib thoracic dysplasia 6 with or without polydactyly (SRTD6). Also called: Majewski Syndrome; SHORT-RIB THORACIC DYSPLASIA 6 WITH POLYDACTYLY; SHORT-RIB THORACIC DYSPLASIA 6 WITHOUT POLYDACTYLY; SHORT RIB-POLYDACTYLY SYNDROME, TYPE IIA; POLYDACTYLY WITH NEONATAL CHONDRODYSTROPHY, TYPE II. Identifiers: MedGen C0024507, MONDO:0009894, OMIM 263520.

Allele frequency attached by ClinVar (database versions not stated): gnomAD exomes below 0.00001; TOPMed below 0.00001; gnomAD 0.00001.
gnomAD v4.1: 6 of 1,609,664 alleles (0.00037%); highest among the groups gnomAD compares: Non-Finnish European, 0.00051%; no homozygotes.

Submission:

Labcorp Genetics (formerly Invitae), Labcorp
Classification: Uncertain significance for Short-rib thoracic dysplasia 6 with or without polydactyly. Last evaluated: 2025-01-13. Review status: criteria provided, single submitter. Criteria: Invitae Variant Classification Sherloc (09022015). Collection method: clinical testing. Allele origin: germline.
Comment: This sequence change replaces aspartic acid, which is acidic and polar, with asparagine, which is neutral and polar, at codon 651 of the NEK1 protein (p.Asp651Asn). This variant is present in population databases (no rsID available, gnomAD 0.0009%). This variant has not been reported in the literature in individuals affected with NEK1-related conditions. ClinVar contains an entry for this variant (Variation ID: 1466850). Invitae Evidence Modeling of protein sequence and biophysical properties (such as structural, functional, and spatial information, amino acid conservation, physicochemical variation, residue mobility, and thermodynamic stability) indicates that this missense variant is not expected to disrupt NEK1 protein function with a negative predictive value of 80%. Algorithms developed to predict the effect of sequence changes on RNA splicing suggest that this variant may create or strengthen a splice site. In summary, the available evidence is currently insufficient to determine the role of this variant in disease. Therefore, it has been classified as a Variant of Uncertain Significance.

NM_001199397.3(NEK1):c.2035G>A (p.Asp679Asn)

Gene: NEK1 (NIMA related kinase 1; minus strand). Cytogenetic location: 4q33.
Variant type: single nucleotide variant.
Coding change: c.2035G>A on transcript NM_001199397.3 (MANE Select); coding-DNA position 2035, G replaced by A.
Protein change: p.Asp679Asn; replaces aspartic acid 679 with asparagine.
Molecular consequence: missense variant. On other transcripts: non-coding transcript variant (1).
Genome position (GRCh38, 1-based): chr4:169,479,507, C>T on the plus strand (G>A on the coding strand, the complement: NEK1 is on the minus strand). VCF-style: chr4-169479507-C-T. GRCh37 (hg19) VCF-style: chr4-170400658-C-T.
Other names: c.1903G>A, p.Asp635Asn (NM_001199398.3); c.1744G>A, p.Asp582Asn (NM_001199399.3); c.1819G>A, p.Asp607Asn (NM_001199400.3); c.2035G>A, p.Asp679Asn (NM_001374418.1); c.1951G>A, p.Asp651Asn (NM_001374419.1, NM_012224.4); c.1900G>A, p.Asp634Asn (NM_001374420.1); c.1729G>A, p.Asp577Asn (NM_001374421.1); short protein forms D634N, D635N, D679N, D607N, D577N, D582N, D651N.
Identifiers: ClinVar variation 1466850 (VCV001466850.6), dbSNP rs1184211163, ClinGen allele CA358733482.